The following is an entry in ClinVar:

ClinVar aggregate classification (germline): Uncertain significance. Review status: criteria provided, multiple submitters, no conflicts (2 of 4 stars). 2 submissions from 2 submitters: Uncertain significance (2). Last evaluated 2024-11-27.

Conditions:
Cardiovascular phenotype. Identifiers: MedGen CN230736.

gnomAD v4.1: 1 of 1,614,234 alleles (0.000062%); highest among the groups gnomAD compares: Non-Finnish European, 0.000085%; no homozygotes.

Submissions (2):

GeneDx
Classification: Uncertain significance. Last evaluated: 2024-11-27. Review status: criteria provided, single submitter. Criteria: GeneDx Variant Classification Process June 2021. Collection method: clinical testing. Allele origin: germline. Affected: yes.
Comment: Not observed at significant frequency in large population cohorts (gnomAD); In silico analysis supports that this missense variant has a deleterious effect on protein structure/function; Has not been previously published as pathogenic or benign to our knowledge

Ambry Genetics
Classification: Uncertain significance for Cardiovascular phenotype. Last evaluated: 2024-06-22. Review status: criteria provided, single submitter. Criteria: Ambry Variant Classification Scheme 2023. Collection method: clinical testing. Allele origin: germline.

NM_174936.4(PCSK9):c.364T>A (p.Phe122Ile)

Gene: PCSK9 (proprotein convertase subtilisin/kexin type 9; plus strand). Cytogenetic location: 1p32.3.
Variant type: single nucleotide variant.
Coding change: c.364T>A on transcript NM_174936.4 (MANE Select); coding-DNA position 364, T replaced by A.
Protein change: p.Phe122Ile; replaces phenylalanine 122 with isoleucine.
Molecular consequence: missense variant. On other transcripts: 5 prime UTR variant (1), non-coding transcript variant (6), intron variant (1).
Genome position (GRCh38, 1-based): chr1:55,043,999, T>A. VCF-style: chr1-55043999-T-A. GRCh37 (hg19) VCF-style: chr1-55509672-T-A.
Other names: c.487T>A, p.Phe163Ile (NM_001407240.1); c.364T>A, p.Phe122Ile (NM_001407241.1, NM_001407242.1, NM_001407243.1 and 2 more transcripts); c.-12T>A (NM_001407246.1); c.208-2524T>A (NM_001407245.1); short protein forms F122I, F163I.
Identifiers: ClinVar variation 3305273 (VCV003305273.2).